The following is an entry in ClinVar:

NM_022051.3(EGLN1):c.711C>A (p.Asp237Glu)

Gene: EGLN1 (egl-9 family hypoxia inducible factor 1; minus strand). Cytogenetic location: 1q42.2.
Variant type: single nucleotide variant.
Coding change: c.711C>A on transcript NM_022051.3 (MANE Select); coding-DNA position 711, C replaced by A.
Protein change: p.Asp237Glu; replaces aspartic acid 237 with glutamic acid.
Molecular consequence: missense variant.
Genome position (GRCh38, 1-based): chr1:231,421,178, G>T on the plus strand (C>A on the coding strand, the complement: EGLN1 is on the minus strand). VCF-style: chr1-231421178-G-T. GRCh37 (hg19) VCF-style: chr1-231556924-G-T.
Other names: c.711C>A, p.Asp237Glu (NM_001377260.1, NM_001377261.1); short protein forms D237E.
Identifiers: ClinVar variation 3227742 (VCV003227742.1), dbSNP rs989866111, ClinGen allele CA345235709.

ClinVar aggregate classification (germline): Uncertain significance (1 of 4 stars; one submission).

Submission:

Ambry Genetics
Classification: Uncertain significance. Last evaluated: 2023-09-29. Review status: criteria provided, single submitter. Criteria: Ambry Variant Classification Scheme 2023. Collection method: clinical testing. Allele origin: germline.
Comment: The p.D237E variant (also known as c.711C>A), located in coding exon 1 of the EGLN1 gene, results from a C to A substitution at nucleotide position 711. The aspartic acid at codon 237 is replaced by glutamic acid, an amino acid with highly similar properties. This amino acid position is conserved. In addition, this alteration is predicted to be tolerated by in silico analysis. Since supporting evidence is limited at this time, the clinical significance of this alteration remains unclear.